The following is an entry in ClinVar:

ClinVar aggregate classification (germline): Uncertain significance. Review status: criteria provided, multiple submitters, no conflicts (2 of 4 stars). 3 submissions from 3 submitters: Uncertain significance (3). Last evaluated 2025-04-11.

Conditions:
Brugada syndrome. Also called: Sudden unexpected nocturnal death syndrome; Sudden Unexplained Death Syndrome; Sudden Unexplained Nocturnal Death Syndrome (SUNDS); Sudden unexplained nocturnal death syndrome. Identifiers: Orphanet 130, MedGen C1142166, MONDO:0015263.
Cardiovascular phenotype. Identifiers: MedGen CN230736.

Allele frequency attached by ClinVar (database versions not stated): TOPMed 0.00007; ESP Exome Variant Server 0.00015.
gnomAD v4.1: 12 of 1,613,030 alleles (0.00074%); highest among the groups gnomAD compares: African/African-American, 0.016%; no homozygotes.

Submissions (3):

Ambry Genetics
Classification: Uncertain significance for Cardiovascular phenotype. Last evaluated: 2025-04-11. Review status: criteria provided, single submitter. Criteria: Ambry Variant Classification Scheme 2023. Collection method: clinical testing. Allele origin: germline.

Women's Health and Genetics/Laboratory Corporation of America, LabCorp
Classification: Uncertain significance. Last evaluated: 2024-02-26. Review status: criteria provided, single submitter. Criteria: LabCorp Variant Classification Summary - May 2015. Collection method: clinical testing. Allele origin: germline.

Labcorp Genetics (formerly Invitae), Labcorp
Classification: Uncertain significance for Brugada syndrome. Last evaluated: 2022-07-19. Review status: criteria provided, single submitter. Criteria: Invitae Variant Classification Sherloc (09022015). Collection method: clinical testing. Allele origin: germline.
Comment: This sequence change replaces alanine, which is neutral and non-polar, with serine, which is neutral and polar, at codon 607 of the SCN10A protein (p.Ala607Ser). This variant is present in population databases (rs139355449, gnomAD 0.007%). This variant has not been reported in the literature in individuals affected with SCN10A-related conditions. ClinVar contains an entry for this variant (Variation ID: 1495080). Advanced modeling of protein sequence and biophysical properties (such as structural, functional, and spatial information, amino acid conservation, physicochemical variation, residue mobility, and thermodynamic stability) performed at Invitae indicates that this missense variant is not expected to disrupt SCN10A protein function. In summary, the available evidence is currently insufficient to determine the role of this variant in disease. Therefore, it has been classified as a Variant of Uncertain Significance.

NM_006514.4(SCN10A):c.1819G>T (p.Ala607Ser)

Gene: SCN10A (sodium voltage-gated channel alpha subunit 10; minus strand). Cytogenetic location: 3p22.2.
Variant type: single nucleotide variant.
Coding change: c.1819G>T on transcript NM_006514.4 (MANE Select); coding-DNA position 1819, G replaced by T.
Protein change: p.Ala607Ser; replaces alanine 607 with serine.
Molecular consequence: missense variant.
Genome position (GRCh38, 1-based): chr3:38,750,121, C>A on the plus strand (G>T on the coding strand, the complement: SCN10A is on the minus strand). VCF-style: chr3-38750121-C-A. GRCh37 (hg19) VCF-style: chr3-38791612-C-A.
Other names: c.1819G>T, p.Ala607Ser (NM_001293306.2); c.1525G>T, p.Ala509Ser (NM_001293307.2); short protein forms A607S, A509S.
Identifiers: ClinVar variation 1495080 (VCV001495080.9), dbSNP rs139355449, ClinGen allele CA72984115.
Genomic context (GRCh38, chr3:38,750,121, plus strand): 5'-AGCAGCACTTACCCTCAAGGACGGAGGTTATGATACTGACAACACTCATTGCCCTTTGGG[C>A]CCGGAAAGGTTCATCTAAGTATTCTGCTGACAAGAAAGTCTTCTTTTGTCCTGCATCGAA-3'
Protein context (NP_006505.4, residues 597-617): SAEYLDEPFR[Ala607Ser]QRAMSVVSII